The following is an entry in ClinVar:

NM_005689.4(ABCB6):c.226C>T (p.Gln76Ter)

Gene: ABCB6 (ATP binding cassette subfamily B member 6 (LAN blood group); minus strand). Cytogenetic location: 2q35.
Variant type: single nucleotide variant.
Coding change: c.226C>T on transcript NM_005689.4 (MANE Select); coding-DNA position 226, C replaced by T.
Protein change: p.Gln76Ter; replaces glutamine 76 with a stop codon.
Molecular consequence: nonsense.
Genome position (GRCh38, 1-based): chr2:219,218,448, G>A on the plus strand (C>T on the coding strand, the complement: ABCB6 is on the minus strand). VCF-style: chr2-219218448-G-A. GRCh37 (hg19) VCF-style: chr2-220083170-G-A.
Other names: c.226C>T, p.Gln76Ter (NM_001349828.2); short protein forms Q76*.
Identifiers: ClinVar variation 1973071 (VCV001973071.5), dbSNP rs1950676402, ClinGen allele CA350645108.

ClinVar aggregate classification (germline): Uncertain significance (1 of 4 stars; one submission).

Allele frequency attached by ClinVar (database versions not stated): TOPMed below 0.00001.
gnomAD v4.1: 7 of 1,609,430 alleles (0.00043%); highest among the groups gnomAD compares: Non-Finnish European, 0.00051%; no homozygotes.

Submission:

Labcorp Genetics (formerly Invitae), Labcorp
Classification: Uncertain significance. Last evaluated: 2022-09-27. Review status: criteria provided, single submitter. Criteria: Invitae Variant Classification Sherloc (09022015). Collection method: clinical testing. Allele origin: germline.
Comment: In summary, the available evidence is currently insufficient to determine the role of this variant in disease. Therefore, it has been classified as a Variant of Uncertain Significance. This variant has not been reported in the literature in individuals affected with ABCB6-related conditions. This variant is not present in population databases (gnomAD no frequency). This sequence change creates a premature translational stop signal (p.Gln76*) in the ABCB6 gene. It is expected to result in an absent or disrupted protein product. However, the current clinical and genetic evidence is not sufficient to establish whether loss-of-function variants in ABCB6 cause disease.